The following is an entry in ClinVar:

ClinVar aggregate classification (germline): Uncertain significance. Review status: criteria provided, multiple submitters, no conflicts (2 of 4 stars). 2 submissions from 2 submitters: Uncertain significance (2). Last evaluated 2022-09-29.

Conditions:
Familial temporal lobe epilepsy 7. Identifiers: Orphanet 101046, MedGen C4225327, MONDO:0014639, OMIM 616436.
Inborn genetic diseases. Identifiers: MedGen C0950123, MeSH D030342.

Submissions (2):

Ambry Genetics
Classification: Uncertain significance for Inborn genetic diseases. Last evaluated: 2022-09-29. Review status: criteria provided, single submitter. Criteria: Ambry Variant Classification Scheme 2023. Collection method: clinical testing. Allele origin: germline.

Neuberg Centre For Genomic Medicine, NCGM
Classification: Uncertain significance for Familial temporal lobe epilepsy 7. Review status: criteria provided, single submitter. Criteria: ACMG Guidelines, 2015. Collection method: clinical testing. Allele origin: germline. Affected: yes.
Comment: The missense variant p.V1999I in RELN (NM_005045.4) has not been reported previously as a pathogenic variant nor as a benign variant, to our knowledge. The p.V1999I variant is novel (not in any individuals) in gnomAD Exomes and is novel (not in any individuals) in 1000 Genomes. In silico tools are contradictory in their predictions (SIFT-damaging, Polyphen-2-Tolerated) and the residue is conserved across species. For these reasons, this variant has been classified as Uncertain Significance.

NM_005045.4(RELN):c.5995G>A (p.Val1999Ile)

Gene: RELN (reelin; minus strand). Cytogenetic location: 7q22.1.
Variant type: single nucleotide variant.
Coding change: c.5995G>A on transcript NM_005045.4 (MANE Select); coding-DNA position 5995, G replaced by A.
Protein change: p.Val1999Ile; replaces valine 1999 with isoleucine.
Molecular consequence: missense variant.
Genome position (GRCh38, 1-based): chr7:103,553,538, C>T on the plus strand (G>A on the coding strand, the complement: RELN is on the minus strand). VCF-style: chr7-103553538-C-T. GRCh37 (hg19) VCF-style: chr7-103193985-C-T.
Other names: c.5995G>A, p.Val1999Ile (NM_173054.3); c.5995G>A (NM_005045.3); short protein forms V1999I.
Identifiers: ClinVar variation 1339024 (VCV001339024.5), dbSNP rs1830457350, ClinGen allele CA368739510.
Genomic context (GRCh38, chr7:103,553,538, plus strand): 5'-TGTTCTCATTCACATTTAGGTCACGGGTGGTAATGGAATGCTCACCAACTTCATTTGAAA[C>T]AAACACCATAGCTGAATCTTCTTCACTGTTACACAGGAAAACAACCAGGAATCCATTTAG-3'
Protein context (NP_005036.2, residues 1989-2009): APEEDSAMVF[Val1999Ile]SNEVGEHSIT